The following is an entry in ClinVar:

NM_002839.4(PTPRD):c.5031T>C (p.Asn1677=)

Gene: PTPRD (protein tyrosine phosphatase receptor type D; minus strand). Cytogenetic location: 9p24.1.
Variant type: single nucleotide variant.
Coding change: c.5031T>C on transcript NM_002839.4 (MANE Select); coding-DNA position 5031, T replaced by C.
Protein change: p.Asn1677=; no amino-acid change (asparagine 1677 retained).
Molecular consequence: synonymous variant.
Genome position (GRCh38, 1-based): chr9:8,341,185, A>G on the plus strand (T>C on the coding strand, the complement: PTPRD is on the minus strand). VCF-style: chr9-8341185-A-G. GRCh37 (hg19) VCF-style: chr9-8341185-A-G.
Other names: c.3801T>C, p.Asn1267= (NM_001040712.2); c.3810T>C, p.Asn1270= (NM_001171025.2, NM_130391.4); c.3822T>C, p.Asn1274= (NM_001377946.1); c.3792T>C, p.Asn1264= (NM_001377947.1); c.5091T>C, p.Asn1697= (NM_001377958.1); c.5046T>C, p.Asn1682= (NM_001378058.1); c.3813T>C, p.Asn1271= (NM_130392.3); c.3783T>C, p.Asn1261= (NM_130393.3).
Identifiers: ClinVar variation 782284 (VCV000782284.7), dbSNP rs12351899, ClinGen allele CA4983183.

ClinVar aggregate classification (germline): Benign. Review status: criteria provided, multiple submitters, no conflicts (2 of 4 stars). 3 submissions from 3 submitters: Benign (2). 1 of the submissions does not count toward it. Last evaluated 2019-12-31.

Conditions:
PTPRD-related disorder. Also called: PTPRD-related condition.

Allele frequency attached by ClinVar (database versions not stated): ESP Exome Variant Server 0.01499; 1000 Genomes Project 0.01637; gnomAD exomes 0.00361; 1000 Genomes Project 30x 0.01780; TOPMed 0.01546; ExAC 0.00444; gnomAD 0.01312 and 0.01388.
gnomAD v4.1: 4,029 of 1,613,170 alleles (0.25%); highest among the groups gnomAD compares: African/African-American, 4.6%; 92 homozygotes.

Submissions (3):

Labcorp Genetics (formerly Invitae), Labcorp
Classification: Benign. Last evaluated: 2019-12-31. Review status: criteria provided, single submitter. Criteria: Invitae Variant Classification Sherloc (09022015). Collection method: clinical testing. Allele origin: germline.

Breakthrough Genomics
Classification: Benign. Review status: criteria provided, single submitter. Criteria: ACMG Guidelines, 2015. Collection method: not provided. Allele origin: germline. Inheritance: Unknown mechanism. Affected: yes.

PreventionGenetics, part of Exact Sciences
Classification: Benign for PTPRD-related condition. Last evaluated: 2019-03-04. Review status: no assertion criteria provided. Collection method: clinical testing. Allele origin: germline. Not counted in ClinVar's aggregate classification.
Comment: This variant is classified as benign based on ACMG/AMP sequence variant interpretation guidelines (Richards et al. 2015 PMID: 25741868, with internal and published modifications).